The following is an entry in ClinVar:

NM_000548.5(TSC2):c.4111T>C (p.Ser1371Pro)

Gene: TSC2 (TSC complex subunit 2; plus strand). Cytogenetic location: 16p13.3.
Variant type: single nucleotide variant.
Coding change: c.4111T>C on transcript NM_000548.5 (MANE Select); coding-DNA position 4111, T replaced by C.
Protein change: p.Ser1371Pro; replaces serine 1371 with proline.
Molecular consequence: missense variant. On other transcripts: non-coding transcript variant (5).
Genome position (GRCh38, 1-based): chr16:2,084,333, T>C. VCF-style: chr16-2084333-T-C. GRCh37 (hg19) VCF-style: chr16-2134334-T-C.
Other names: c.3931T>C, p.Ser1311Pro (NM_001406670.1); c.3901T>C, p.Ser1301Pro (NM_001406671.1); c.3898T>C, p.Ser1300Pro (NM_001406673.1); c.3895T>C, p.Ser1299Pro (NM_001406675.1); c.3892T>C, p.Ser1298Pro (NM_001406676.1); c.3853T>C, p.Ser1285Pro (NM_001406677.1); c.3799T>C, p.Ser1267Pro (NM_001406678.1); c.3763T>C, p.Ser1255Pro (NM_001406679.1); and 26 more; short protein forms S1104P, S1105P, S1127P, S1147P, S1148P, S1151P, S1171P, S1255P.
Identifiers: ClinVar variation 4811072 (VCV004811072.2).

ClinVar aggregate classification (germline): Conflicting classifications of pathogenicity. Review status: criteria provided, conflicting classifications (1 of 4 stars). 2 submissions from 2 submitters: Uncertain significance (1); Benign (1). Last evaluated 2026-03-07.

Conditions:
Tuberous sclerosis 2 (TSC2). Identifiers: Orphanet 805, MedGen C1860707, MONDO:0013199, OMIM 613254.
Hereditary cancer-predisposing syndrome. Also called: Neoplastic Syndromes, Hereditary; Hereditary neoplastic syndrome; Tumor predisposition; Hereditary Cancer Syndrome. Identifiers: Orphanet 140162, MedGen C0027672, MeSH D009386, MONDO:0015356.

gnomAD v4.1: 1 of 1,612,700 alleles (0.000062%); highest among the groups gnomAD compares: Non-Finnish European, 0.000085%; no homozygotes.

Submissions (2):

Ambry Genetics
Classification: Uncertain significance for Hereditary cancer-predisposing syndrome. Last evaluated: 2026-03-07. Review status: criteria provided, single submitter. Criteria: Ambry Variant Classification Scheme 2023. Collection method: clinical testing. Allele origin: germline.
Comment: The p.S1371P variant (also known as c.4111T>C), located in coding exon 33 of the TSC2 gene, results from a T to C substitution at nucleotide position 4111. The serine at codon 1371 is replaced by proline, an amino acid with similar properties. This amino acid position is conserved. In addition, the in silico prediction for this alteration is inconclusive. Based on the available evidence, the clinical significance of this variant remains unclear.

Labcorp Genetics (formerly Invitae), Labcorp
Classification: Benign for Tuberous sclerosis 2. Last evaluated: 2025-04-28. Review status: criteria provided, single submitter. Criteria: Invitae Variant Classification Sherloc (09022015). Collection method: clinical testing. Allele origin: germline.